The following is an entry in ClinVar:

NM_006445.4(PRPF8):c.4037C>T (p.Thr1346Ile)

Gene: PRPF8 (pre-mRNA processing factor 8; minus strand). Cytogenetic location: 17p13.3.
Variant type: single nucleotide variant.
Coding change: c.4037C>T on transcript NM_006445.4 (MANE Select); coding-DNA position 4037, C replaced by T.
Protein change: p.Thr1346Ile; replaces threonine 1346 with isoleucine.
Molecular consequence: missense variant.
Genome position (GRCh38, 1-based): chr17:1,661,776, G>A on the plus strand (C>T on the coding strand, the complement: PRPF8 is on the minus strand). VCF-style: chr17-1661776-G-A. GRCh37 (hg19) VCF-style: chr17-1565070-G-A.
Other names: short protein forms T1346I.
Identifiers: ClinVar variation 1419275 (VCV001419275.8), dbSNP rs2151116688, ClinGen allele CA397578279.

ClinVar aggregate classification (germline): Uncertain significance (1 of 4 stars; one submission).

gnomAD v4.1: 1 of 1,614,196 alleles (0.000062%); highest among the groups gnomAD compares: Non-Finnish European, 0.000085%; no homozygotes.

Submission:

Labcorp Genetics (formerly Invitae), Labcorp
Classification: Uncertain significance. Last evaluated: 2021-04-11. Review status: criteria provided, single submitter. Criteria: Invitae Variant Classification Sherloc (09022015). Collection method: clinical testing. Allele origin: germline.
Comment: In summary, the available evidence is currently insufficient to determine the role of this variant in disease. Therefore, it has been classified as a Variant of Uncertain Significance. Algorithms developed to predict the effect of missense changes on protein structure and function are either unavailable or do not agree on the potential impact of this missense change (SIFT: "Deleterious"; PolyPhen-2: "Probably Damaging"; Align-GVGD: "Class C0"). This variant has not been reported in the literature in individuals with PRPF8-related conditions. This variant is not present in population databases (ExAC no frequency). This sequence change replaces threonine with isoleucine at codon 1346 of the PRPF8 protein (p.Thr1346Ile). The threonine residue is highly conserved and there is a moderate physicochemical difference between threonine and isoleucine.